The following is an entry in ClinVar:

ClinVar aggregate classification (germline): Benign (0 of 4 stars; one submission).

Conditions:
CPB1-related disorder. Also called: CPB1-related condition.

Allele frequency attached by ClinVar (database versions not stated): ExAC 0.00319; gnomAD 0.00965; 1000 Genomes Project 0.00998; 1000 Genomes Project 30x 0.00999; TOPMed 0.01075; ESP Exome Variant Server 0.01253.
gnomAD v4.1: 2,795 of 1,613,740 alleles (0.17%); highest among the groups gnomAD compares: African/African-American, 3.4%; 48 homozygotes.

Submission:

PreventionGenetics, part of Exact Sciences
Classification: Benign for CPB1-related condition. Last evaluated: 2019-05-23. Review status: no assertion criteria provided. Collection method: clinical testing. Allele origin: germline.
Comment: This variant is classified as benign based on ACMG/AMP sequence variant interpretation guidelines (Richards et al. 2015 PMID: 25741868, with internal and published modifications).

NM_001871.3(CPB1):c.72C>T (p.Gly24=)

Gene: CPB1 (carboxypeptidase B1; plus strand). Cytogenetic location: 3q24.
Variant type: single nucleotide variant.
Coding change: c.72C>T on transcript NM_001871.3 (MANE Select); coding-DNA position 72, C replaced by T.
Protein change: p.Gly24=; no amino-acid change (glycine 24 retained).
Molecular consequence: synonymous variant.
Genome position (GRCh38, 1-based): chr3:148,828,002, C>T. VCF-style: chr3-148828002-C-T. GRCh37 (hg19) VCF-style: chr3-148545789-C-T.
Identifiers: ClinVar variation 3039170 (VCV003039170.2), dbSNP rs80013498, ClinGen allele CA2657496.